The following is an entry in ClinVar:

ClinVar aggregate classification (germline): Pathogenic (1 of 4 stars; one submission).

Conditions:
Familial adenomatous polyposis 1 (FAP1). Also called: POLYPOSIS, ADENOMATOUS INTESTINAL; FAMILIAL ADENOMATOUS POLYPOSIS 1, ATTENUATED. Identifiers: MedGen C2713442, MONDO:0021056, OMIM 175100. Disease mechanism: loss of function.

Submission:

Myriad Genetics, Inc.
Classification: Pathogenic for Familial adenomatous polyposis 1. Last evaluated: 2023-05-16. Review status: criteria provided, single submitter. Criteria: Myriad Autosomal Dominant, Autosomal Recessive and X-Linked Classification Criteria (2023). Collection method: clinical testing. Allele origin: unknown.
Comment: This variant is considered pathogenic. This variant creates a frameshift predicted to result in premature protein truncation.

NM_000038.6(APC):c.8025del (p.Thr2676fs)

Gene: APC (APC regulator of Wnt signaling pathway; plus strand). Cytogenetic location: 5q22.2.
Variant type: Deletion.
Coding change: c.8025del on transcript NM_000038.6 (MANE Select); coding-DNA position 8025, one base deleted (C; older notation c.8025delC).
Protein change: p.Thr2676fs; shifts the reading frame from threonine 2676.
Molecular consequence: frameshift variant. On other transcripts: non-coding transcript variant (2).
Genome position (GRCh38, 1-based): chr5:112,843,619, C deleted; the last of 3 consecutive C bases (chr5:112,843,617-112,843,619); deleting any one gives the same sequence. VCF-style (leftmost placement, unchanged base first): chr5-112843616-TC-T. GRCh37 (hg19) VCF-style: chr5-112179313-TC-T.
Other names: c.8025del, p.Thr2676fs (NM_001127510.3, NM_001354895.2, NM_001407450.1); c.7971del, p.Thr2658fs (NM_001127511.3); c.8079del, p.Thr2694fs (NM_001354896.2, NM_001407447.1, NM_001407448.1 and 1 more transcripts); c.8055del, p.Thr2686fs (NM_001354897.2); c.7950del, p.Thr2651fs (NM_001354898.2); c.7941del, p.Thr2648fs (NM_001354899.2); c.7902del, p.Thr2635fs (NM_001354900.2); c.7848del, p.Thr2617fs (NM_001354901.2, NM_001407453.1); and 11 more; short protein forms T2292fs, T2393fs, T2516fs, T2547fs, T2550fs, T2575fs, T2585fs, T2593fs.
Identifiers: ClinVar variation 2583211 (VCV002583211.1), dbSNP rs2533838474, ClinGen allele CA2582341639.